The following is an entry in ClinVar:

NM_015001.3(SPEN):c.5702G>A (p.Arg1901His)

Gene: SPEN (spen family transcriptional repressor; plus strand). Cytogenetic location: 1p36.13.
Variant type: single nucleotide variant.
Coding change: c.5702G>A on transcript NM_015001.3 (MANE Select); coding-DNA position 5702, G replaced by A.
Protein change: p.Arg1901His; replaces arginine 1901 with histidine.
Molecular consequence: missense variant.
Genome position (GRCh38, 1-based): chr1:15,931,942, G>A. VCF-style: chr1-15931942-G-A. GRCh37 (hg19) VCF-style: chr1-16258437-G-A.
Other names: short protein forms R1901H.
Identifiers: ClinVar variation 3371840 (VCV003371840.1).

ClinVar aggregate classification (germline): Uncertain significance (1 of 4 stars; one submission).

gnomAD v4.1: 1 of 1,614,168 alleles (0.000062%); highest among the groups gnomAD compares: Non-Finnish European, 0.000085%; no homozygotes.

Submission:

GeneDx
Classification: Uncertain significance. Last evaluated: 2024-04-01. Review status: criteria provided, single submitter. Criteria: GeneDx Variant Classification Process June 2021. Collection method: clinical testing. Allele origin: germline. Affected: yes.
Comment: Not observed at significant frequency in large population cohorts (gnomAD); In silico analysis supports that this missense variant does not alter protein structure/function; Has not been previously published as pathogenic or benign to our knowledge